The following is an entry in ClinVar:

NM_014168.4(METTL5):c.406+1_406+2insATACAAATTC

Gene: METTL5 (methyltransferase 5, N6-adenosine; minus strand). Cytogenetic location: 2q31.1.
Variant type: Insertion.
Coding change: c.406+1_406+2insATACAAATTC on transcript NM_014168.4 (MANE Select); the canonical splice donor site of the intron after coding-DNA position 406, ATACAAATTC inserted.
Molecular consequence: splice donor variant.
Genome position: GRCh38 VCF-style: chr2-169821090-A-AGAATTTGTAT. GRCh37 (hg19) VCF-style: chr2-170677600-A-AGAATTTGTAT.
Other names: c.406+1_406+2insATACAAATTC (NM_001293187.2, NM_001293186.2).
Identifiers: ClinVar variation 1804912 (VCV001804912.1), dbSNP rs2528783505, ClinGen allele CA1139532819.

ClinVar aggregate classification (germline): Likely pathogenic (1 of 4 stars; one submission).

Conditions:
Intellectual developmental disorder, autosomal recessive 72. Also called: MENTAL RETARDATION, AUTOSOMAL RECESSIVE 72. Identifiers: MedGen C5231452, MONDO:0032860, OMIM 618665.

Submission:

Victorian Clinical Genetics Services, Murdoch Childrens Research Institute
Classification: Likely pathogenic for Intellectual developmental disorder, autosomal recessive 72. Last evaluated: 2021-05-06. Review status: criteria provided, single submitter. Criteria: ACMG Guidelines, 2015. Collection method: clinical testing. Allele origin: germline. Inheritance: Autosomal recessive inheritance.
Comment: Based on the classification scheme VCGS_Germline_v1.3.4, this variant is classified as Likely Pathogenic. Following criteria are met: 0102 - Loss of function is a known mechanism of disease in this gene and is associated with autosomal recessive intellectual developmental disorder (MIM#618665). (I) 0106 - This gene is associated with autosomal recessive disease. (I) 0211 - Canonical splice site variant without proven consequence on splicing (no functional evidence available). (SP) 0252 - This variant is homozygous. (I) 0301 - Variant is absent from gnomAD (both v2 and v3). (SP) 0508 - In silico predictions for abnormal splicing are conflicting. However, this variant alters the nucleotides of the canonical donor splice-site of intron 3, which are very highly conserved (PhyloP UCSC). (I) 0705 - No comparable canonical splice site variants have previous evidence for pathogenicity. (I) 0807 - This variant has no previous evidence of pathogenicity. (I) 0905 - No published segregation evidence has been identified for this variant. (I) 1007 - No published functional evidence has been identified for this variant. (I) 1209 - This variant has been shown to be both maternally and paternally inherited (biallelic). (I) Legend: (SP) - Supporting pathogenic, (I) - Information, (SB) - Supporting benign